The following is an entry in ClinVar:

ClinVar aggregate classification (germline): Uncertain significance (1 of 4 stars; one submission).

Conditions:
Hereditary cancer-predisposing syndrome. Also called: Neoplastic Syndromes, Hereditary; Tumor predisposition; Hereditary neoplastic syndrome; Hereditary Cancer Syndrome. Identifiers: Orphanet 140162, MedGen C0027672, MeSH D009386, MONDO:0015356.

Submission:

Ambry Genetics
Classification: Uncertain significance for Hereditary cancer-predisposing syndrome. Last evaluated: 2026-07-07. Review status: criteria provided, single submitter. Criteria: Ambry Variant Classification Scheme 2023. Collection method: clinical testing. Allele origin: germline.
Comment: The p.A372T variant (also known as c.1114G>A), located in coding exon 4 of the AXIN2 gene, results from a G to A substitution at nucleotide position 1114. The alanine at codon 372 is replaced by threonine, an amino acid with similar properties. This amino acid position is conserved. In addition, the in silico prediction for this alteration is inconclusive. Based on the available evidence, the clinical significance of this variant remains unclear.

NM_004655.4(AXIN2):c.1114G>A (p.Ala372Thr)

Gene: AXIN2 (axin 2; minus strand). Cytogenetic location: 17q24.1.
Variant type: single nucleotide variant.
Coding change: c.1114G>A on transcript NM_004655.4 (MANE Select); coding-DNA position 1114, G replaced by A.
Protein change: p.Ala372Thr; replaces alanine 372 with threonine.
Molecular consequence: missense variant.
Genome position (GRCh38, 1-based): chr17:65,538,289, C>T on the plus strand (G>A on the coding strand, the complement: AXIN2 is on the minus strand). VCF-style: chr17-65538289-C-T. GRCh37 (hg19) VCF-style: chr17-63534407-C-T.
Other names: c.1114G>A, p.Ala372Thr (NM_001363813.1); short protein forms A372T.
Identifiers: ClinVar variation 5032615 (VCV005032615.1).